The following is an entry in ClinVar:

NM_000061.3(BTK):c.239C>T (p.Pro80Leu)

Gene: BTK (Bruton tyrosine kinase; minus strand). Cytogenetic location: Xq22.1.
Variant type: single nucleotide variant.
Coding change: c.239C>T on transcript NM_000061.3 (MANE Select); coding-DNA position 239, C replaced by T.
Protein change: p.Pro80Leu; replaces proline 80 with leucine.
Molecular consequence: missense variant.
Genome position (GRCh38, 1-based): chrX:101,374,537, G>A on the plus strand (C>T on the coding strand, the complement: BTK is on the minus strand). VCF-style: chrX-101374537-G-A. GRCh37 (hg19) VCF-style: chrX-100629525-G-A.
Other names: c.341C>T, p.Pro114Leu (NM_001287344.2); c.239C>T, p.Pro80Leu (NM_001287345.2); short protein forms P114L, P80L.
Identifiers: ClinVar variation 2740997 (VCV002740997.3), dbSNP rs1400251682, ClinGen allele CA413938618.

ClinVar aggregate classification (germline): Uncertain significance (1 of 4 stars; one submission).

Conditions:
X-linked agammaglobulinemia with growth hormone deficiency (IGHD3). Also called: FLEISHER SYNDROME; HYPOGAMMAGLOBULINEMIA AND ISOLATED GROWTH HORMONE DEFICIENCY, X-LINKED; IGHD III; AGAMMAGLOBULINEMIA AND ISOLATED GROWTH HORMONE DEFICIENCY, X-LINKED; Isolated growth hormone deficiency type 3; Growth hormone deficiency with hypogammaglobulinemia. Identifiers: Orphanet 231692, Orphanet 631, MedGen C0472813, MONDO:0010615, OMIM 307200.

Allele frequency attached by ClinVar (database versions not stated): gnomAD exomes 0.00001; TOPMed 0.00003; gnomAD 0.00005.
gnomAD v4.1: 17 of 1,204,456 alleles (0.0014%); highest among the groups gnomAD compares: South Asian, 0.0018%; no homozygotes.

Submission:

Labcorp Genetics (formerly Invitae), Labcorp
Classification: Uncertain significance for X-linked agammaglobulinemia with growth hormone deficiency. Last evaluated: 2023-11-25. Review status: criteria provided, single submitter. Criteria: Invitae Variant Classification Sherloc (09022015). Collection method: clinical testing. Allele origin: germline.
Comment: This sequence change replaces proline, which is neutral and non-polar, with leucine, which is neutral and non-polar, at codon 80 of the BTK protein (p.Pro80Leu). This variant is not present in population databases (gnomAD no frequency). This variant has not been reported in the literature in individuals affected with BTK-related conditions. Algorithms developed to predict the effect of missense changes on protein structure and function output the following: SIFT: "Not Available"; PolyPhen-2: "Benign"; Align-GVGD: "Not Available". The leucine amino acid residue is found in multiple mammalian species, which suggests that this missense change does not adversely affect protein function. In summary, the available evidence is currently insufficient to determine the role of this variant in disease. Therefore, it has been classified as a Variant of Uncertain Significance.